The following is an entry in ClinVar:

NM_000744.7(CHRNA4):c.1201C>G (p.Leu401Val)

Gene: CHRNA4 (cholinergic receptor nicotinic alpha 4 subunit; minus strand). Cytogenetic location: 20q13.33.
Variant type: single nucleotide variant.
Coding change: c.1201C>G on transcript NM_000744.7 (MANE Select); coding-DNA position 1201, C replaced by G.
Protein change: p.Leu401Val; replaces leucine 401 with valine.
Molecular consequence: missense variant. On other transcripts: non-coding transcript variant (1).
Genome position (GRCh38, 1-based): chr20:63,350,210, G>C on the plus strand (C>G on the coding strand, the complement: CHRNA4 is on the minus strand). VCF-style: chr20-63350210-G-C. GRCh37 (hg19) VCF-style: chr20-61981562-G-C.
Other names: c.673C>G, p.Leu225Val (NM_001256573.2); short protein forms L225V, L401V.
Identifiers: ClinVar variation 4767929 (VCV004767929.1).

ClinVar aggregate classification (germline): Uncertain significance (1 of 4 stars; one submission).

Conditions:
Familial sleep-related hypermotor epilepsy. Also called: Autosomal Dominant Sleep-Related Hypermotor (Hyperkinetic) Epilepsy. Identifiers: Orphanet 98784, MedGen C3696898, MONDO:0000030.

gnomAD v4.1: 1 of 1,604,684 alleles (0.000062%); highest among the groups gnomAD compares: Non-Finnish European, 0.000085%; no homozygotes.

Submission:

Labcorp Genetics (formerly Invitae), Labcorp
Classification: Uncertain significance. Last evaluated: 2025-05-30. Review status: criteria provided, single submitter. Criteria: Invitae Variant Classification Sherloc (09022015). Collection method: clinical testing. Allele origin: germline.
Comment: This sequence change replaces leucine, which is neutral and non-polar, with valine, which is neutral and non-polar, at codon 401 of the CHRNA4 protein (p.Leu401Val). This variant is not present in population databases (gnomAD no frequency). This variant has not been reported in the literature in individuals affected with CHRNA4-related conditions. Invitae Evidence Modeling of protein sequence and biophysical properties (such as structural, functional, and spatial information, amino acid conservation, physicochemical variation, residue mobility, and thermodynamic stability) indicates that this missense variant is not expected to disrupt CHRNA4 protein function with a negative predictive value of 80%. In summary, the available evidence is currently insufficient to determine the role of this variant in disease. Therefore, it has been classified as a Variant of Uncertain Significance.